The following is an entry in ClinVar:

ClinVar aggregate classification (germline): Conflicting classifications of pathogenicity. Review status: criteria provided, conflicting classifications (1 of 4 stars). 2 submissions from 2 submitters: Uncertain significance (1); Benign (1). Last evaluated 2026-02-27.

Conditions:
Congenital portosystemic shunt. Identifiers: Orphanet 480531, MedGen C1290495, MONDO:0018811.
Primary ciliary dyskinesia. Also called: Ciliary dyskinesia. Identifiers: Orphanet 244, MedGen C0008780, MONDO:0016575, HP:0012265.

Allele frequency attached by ClinVar (database versions not stated): gnomAD 0.00003; TOPMed 0.00003; ExAC 0.00009.
gnomAD v4.1: 107 of 1,613,688 alleles (0.0066%); highest among the groups gnomAD compares: East Asian, 0.23%; no homozygotes.

Submissions (2):

Department of Pediatrics, Graduate School of Medical Sciences, Kyushu University
Classification: Uncertain significance for Congenital portosystemic shunt. Last evaluated: 2026-02-27. Review status: criteria provided, single submitter. Criteria: ACMG Guidelines, 2015. Collection method: research. Allele origin: germline. Affected: yes.
Comment: Both variants are rare or absent in population databases such as gnomAD, and in silico prediction tools including CADD suggest potential deleterious effects. However, the relationship between this gene and CPSS has not been established. Therefore, the clinical significance of this variant is currently classified as a variant of uncertain significance (VUS).

Labcorp Genetics (formerly Invitae), Labcorp
Classification: Benign for Primary ciliary dyskinesia. Last evaluated: 2025-04-18. Review status: criteria provided, single submitter. Criteria: Invitae Variant Classification Sherloc (09022015). Collection method: clinical testing. Allele origin: germline.

NM_001277115.2(DNAH11):c.11647C>T (p.Leu3883Phe)

Gene: DNAH11 (dynein axonemal heavy chain 11; plus strand). Cytogenetic location: 7p15.3.
Variant type: single nucleotide variant.
Coding change: c.11647C>T on transcript NM_001277115.2 (MANE Select); coding-DNA position 11647, C replaced by T.
Protein change: p.Leu3883Phe; replaces leucine 3883 with phenylalanine.
Molecular consequence: missense variant.
Genome position (GRCh38, 1-based): chr7:21,866,620, C>T. VCF-style: chr7-21866620-C-T. GRCh37 (hg19) VCF-style: chr7-21906238-C-T.
Other names: c.11668C>T, p.Leu3890Phe (NM_003777.3); short protein forms L3883F, L3890F.
Identifiers: ClinVar variation 2763499 (VCV002763499.4), dbSNP rs779303486, ClinGen allele CA4182815.